The following is an entry in ClinVar:

NM_000384.3(APOB):c.8079C>T (p.Leu2693=)

Gene: APOB (apolipoprotein B; minus strand). Cytogenetic location: 2p24.1.
Variant type: single nucleotide variant.
Coding change: c.8079C>T on transcript NM_000384.3 (MANE Select); coding-DNA position 8079, C replaced by T.
Protein change: p.Leu2693=; no amino-acid change (leucine 2693 retained).
Molecular consequence: synonymous variant.
Genome position (GRCh38, 1-based): chr2:21,008,789, G>A on the plus strand (C>T on the coding strand, the complement: APOB is on the minus strand). VCF-style: chr2-21008789-G-A. GRCh37 (hg19) VCF-style: chr2-21231661-G-A.
Identifiers: ClinVar variation 922585 (VCV000922585.11), dbSNP rs764717489, ClinGen allele CA065112.

ClinVar aggregate classification (germline): Likely benign. Review status: criteria provided, multiple submitters, no conflicts (2 of 4 stars). 2 submissions from 2 submitters: Likely benign (2). Last evaluated 2024-10-16.

Conditions:
Familial hypobetalipoproteinemia 1. Also called: Hypobetalipoproteinemia, normotriglyceridemic; Acanthocytosis with hypobetalipoproteinemia; APOB-Related Familial Hypobetalipoproteinemia. Identifiers: MedGen C4551990, MONDO:0014252, OMIM 615558.
Hypercholesterolemia, autosomal dominant, type B (FHCL2). Also called: Familial Hypercholesterolemia Type B; HYPERCHOLESTEROLEMIA, FAMILIAL, DUE TO LIGAND-DEFECTIVE APOLIPOPROTEIN B; Familial hypercholesterolemia 2; APOB-Related Familial Hypercholesterolemia, Autosomal Dominant; APOLIPOPROTEIN B-100, FAMILIAL DEFECTIVE; APOLIPOPROTEIN B-100, FAMILIAL LIGAND-DEFECTIVE. Identifiers: MedGen C1704417, MONDO:0007751, OMIM 144010.
Familial hypercholesterolemia. Also called: Familial hypercholesterolemias; Familial hypercholesterolaemia. Identifiers: MedGen C0020445, MONDO:0005439.

Allele frequency attached by ClinVar (database versions not stated): ExAC 0.00002; gnomAD exomes 0.00003.
gnomAD v4.1: 29 of 1,613,910 alleles (0.0018%); highest among the groups gnomAD compares: South Asian, 0.031%; no homozygotes.

Submissions (2):

Labcorp Genetics (formerly Invitae), Labcorp
Classification: Likely benign for Familial hypobetalipoproteinemia 1; Hypercholesterolemia, autosomal dominant, type B. Last evaluated: 2024-10-16. Review status: criteria provided, single submitter. Criteria: Invitae Variant Classification Sherloc (09022015). Collection method: clinical testing. Allele origin: germline.

GENinCode PLC
Classification: Likely benign for Familial hypercholesterolemia. Last evaluated: 2023-07-13. Review status: criteria provided, single submitter. Criteria: ACMG Guidelines, 2015. Collection method: clinical testing. Allele origin: germline.
Comment: This is a synonymous (silent) variant that is not predicted by SpliceAI to impact splicing. In addition, it occurs at a nucleotide that is not conserved. Therefore this variant has been classified as Likely Benign (BP4, BP7).